The following is an entry in ClinVar:

ClinVar aggregate classification (germline): Conflicting classifications of pathogenicity. Review status: criteria provided, conflicting classifications (1 of 4 stars). 2 submissions from 2 submitters: Uncertain significance (1); Likely benign (1). Last evaluated 2025-04-09.

Conditions:
Erythrocytosis, familial, 3 (ECYT3). Identifiers: Orphanet 247511, MedGen C1853286, MONDO:0012353, OMIM 609820.

Allele frequency attached by ClinVar (database versions not stated): gnomAD exomes below 0.00001; gnomAD 0.00001; TOPMed 0.00001.

Submissions (2):

Ambry Genetics
Classification: Likely benign. Last evaluated: 2025-04-09. Review status: criteria provided, single submitter. Criteria: Ambry Variant Classification Scheme 2023. Collection method: clinical testing. Allele origin: germline.

Labcorp Genetics (formerly Invitae), Labcorp
Classification: Uncertain significance for Erythrocytosis, familial, 3. Last evaluated: 2023-11-06. Review status: criteria provided, single submitter. Criteria: Invitae Variant Classification Sherloc (09022015). Collection method: clinical testing. Allele origin: germline.
Comment: This sequence change replaces glutamic acid, which is acidic and polar, with glycine, which is neutral and non-polar, at codon 147 of the EGLN1 protein (p.Glu147Gly). This variant is not present in population databases (gnomAD no frequency). This variant has not been reported in the literature in individuals affected with EGLN1-related conditions. ClinVar contains an entry for this variant (Variation ID: 2050424). An algorithm developed to predict the effect of missense changes on protein structure and function (PolyPhen-2) suggests that this variant is likely to be tolerated. In summary, the available evidence is currently insufficient to determine the role of this variant in disease. Therefore, it has been classified as a Variant of Uncertain Significance.

NM_022051.3(EGLN1):c.440A>G (p.Glu147Gly)

Gene: EGLN1 (egl-9 family hypoxia inducible factor 1; minus strand). Cytogenetic location: 1q42.2.
Variant type: single nucleotide variant.
Coding change: c.440A>G on transcript NM_022051.3 (MANE Select); coding-DNA position 440, A replaced by G.
Protein change: p.Glu147Gly; replaces glutamic acid 147 with glycine.
Molecular consequence: missense variant.
Genome position (GRCh38, 1-based): chr1:231,421,449, T>C on the plus strand (A>G on the coding strand, the complement: EGLN1 is on the minus strand). VCF-style: chr1-231421449-T-C. GRCh37 (hg19) VCF-style: chr1-231557195-T-C.
Other names: c.440A>G, p.Glu147Gly (NM_001377260.1, NM_001377261.1); c.440A>G (NM_022051.2); short protein forms E147G.
Identifiers: ClinVar variation 2050424 (VCV002050424.5), dbSNP rs1200077945, ClinGen allele CA345237003.